The following is an entry in ClinVar:

NM_001429.4(EP300):c.2398T>C (p.Ser800Pro)

Gene: EP300 (EP300 lysine acetyltransferase; plus strand). Cytogenetic location: 22q13.2.
Variant type: single nucleotide variant.
Coding change: c.2398T>C on transcript NM_001429.4 (MANE Select); coding-DNA position 2398, T replaced by C.
Protein change: p.Ser800Pro; replaces serine 800 with proline.
Molecular consequence: missense variant.
Genome position (GRCh38, 1-based): chr22:41,149,779, T>C. VCF-style: chr22-41149779-T-C. GRCh37 (hg19) VCF-style: chr22-41545783-T-C.
Other names: c.2320T>C, p.Ser774Pro (NM_001362843.2); short protein forms S800P, S774P.
Identifiers: ClinVar variation 4985637 (VCV004985637.1).
Genomic context (GRCh38, chr22:41,149,779, plus strand): 5'-CTGTTCTGAATTGCTGTCTTGTTATGTTTTTTATTTTAACAGGCACAAATGTCTAGTTCT[T>C]CCTGCCCGGTGAACTCTCCTATAATGCCTCCAGGGTCTCAGGGGAGCCACATTCACTGTC-3'
Protein context (NP_001420.2, residues 790-810): PVSQAQMSSS[Ser800Pro]CPVNSPIMPP

ClinVar aggregate classification (germline): Uncertain significance (1 of 4 stars; one submission).

Conditions:
EP300-related disorder. Also called: EP300-related condition; EP300-related disorders.

gnomAD v4.1: 26 of 1,614,056 alleles (0.0016%); highest among the groups gnomAD compares: Non-Finnish European, 0.0021%; no homozygotes.

Submission:

PreventionGenetics, part of Exact Sciences
Classification: Uncertain significance for EP300-related condition. Last evaluated: 2026-06-19. Review status: criteria provided, single submitter. Criteria: ACMG Guidelines, 2015. Collection method: clinical testing. Allele origin: germline.
Comment: The EP300 c.2398T>C variant is predicted to result in the amino acid substitution p.Ser800Pro. To our knowledge, this variant has not been reported in the literature. This variant is reported in 0.0018% of alleles in individuals of European (Non-Finnish) descent in gnomAD. At this time, the clinical significance of this variant is uncertain due to the absence of conclusive functional and genetic evidence.